The following is an entry in ClinVar:

ClinVar aggregate classification (germline): Likely pathogenic (1 of 4 stars; one submission).

Conditions:
Mucopolysaccharidosis, MPS-II (MPS2). Also called: Hunter Syndrome; IDURONATE 2-SULFATASE DEFICIENCY; Mucopolysaccharidosis Type II; Mucopolysaccharidosis type 2; Attenuated MPS (subtype; formerly known as mild MPS II); Severe MPS II. Identifiers: Orphanet 580, Orphanet 79388, MedGen C0026705, MONDO:0010674, OMIM 309900.

Submissions (2):

Laboratory of Diagnosis and Therapy of Lysosomal Disorders, University of Padova
Classification: Likely pathogenic for Mucopolysaccharidosis, MPS-II. Last evaluated: 2024-06-07. Review status: criteria provided, single submitter. Criteria: ACMG Guidelines, 2015. Collection method: literature only. Allele origin: germline. Affected: yes. Observed: 1 variant allele.
Comment: Absent from controls (or at low frequency) in gnomAD database (PM2_Moderate), Missense variant in a gene with a low rate of benign missense variation (PP2_Supporting), Multiple lines of computational evidence support a deleterious effect (PP3_Supporting), Patient’s phenotype or family history highly specific for the disease (PP4_Moderate)

Classification method: ACMG Guidelines [PMID:25741868] with modifications

Dr. Peter K. Rogan Lab, Western University
No classification provided (evidence only). Condition: Thyroid cancer, nonmedullary, 1. Review status: no classification provided. Collection method: in vitro. Allele origin: not applicable. Functional consequence: retained intron. Not counted in ClinVar's aggregate classification.

Literature cited by the submitters: PubMed 28077157 (cited by Laboratory of Diagnosis and Therapy of Lysosomal Disorders, University of Padova).

NM_000202.8(IDS):c.1226C>G (p.Thr409Arg)

Gene: IDS (iduronate 2-sulfatase; minus strand). Cytogenetic location: Xq28.
Variant type: single nucleotide variant.
Coding change: c.1226C>G on transcript NM_000202.8 (MANE Select); coding-DNA position 1226, C replaced by G.
Protein change: p.Thr409Arg; replaces threonine 409 with arginine.
Molecular consequence: missense variant.
Genome position (GRCh38, 1-based): chrX:149,483,173, G>C on the plus strand (C>G on the coding strand, the complement: IDS is on the minus strand). VCF-style: chrX-149483173-G-C. GRCh37 (hg19) VCF-style: chrX-148564704-G-C.
Other names: NC_000023.10:g.148564704G>C; c.956C>G, p.Thr319Arg (NM_001166550.4); short protein forms T319R, T409R.
Identifiers: ClinVar variation 3255997 (VCV003255997.3).